The following is an entry in ClinVar:

ClinVar aggregate classification (germline): Benign/Likely benign. Review status: criteria provided, multiple submitters, no conflicts (2 of 4 stars). 4 submissions from 4 submitters: Benign (1); Likely benign (3). Last evaluated 2026-01-06.

Allele frequency attached by ClinVar (database versions not stated): ExAC 0.00026; ESP Exome Variant Server 0.00055; gnomAD 0.00073 and 0.00076; gnomAD exomes 0.00020; 1000 Genomes Project 30x 0.00078; TOPMed 0.00081; 1000 Genomes Project 0.00100.
gnomAD v4.1: 228 of 1,614,030 alleles (0.014%); highest among the groups gnomAD compares: African/African-American, 0.25%; no homozygotes.

Submissions (4):

Labcorp Genetics (formerly Invitae), Labcorp
Classification: Benign. Last evaluated: 2026-01-06. Review status: criteria provided, single submitter. Criteria: Invitae Variant Classification Sherloc (09022015). Collection method: clinical testing. Allele origin: germline.

Women's Health and Genetics/Laboratory Corporation of America, LabCorp
Classification: Likely benign. Last evaluated: 2025-10-09. Review status: criteria provided, single submitter. Criteria: LabCorp Variant Classification Summary - May 2015. Collection method: clinical testing. Allele origin: germline.

Mayo Clinic Laboratories, Mayo Clinic
Classification: Likely benign. Last evaluated: 2025-01-13. Review status: criteria provided, single submitter. Criteria: ACMG Guidelines, 2015. Collection method: clinical testing. Allele origin: germline. Observed: 2 variant alleles.
Comment: BP4, BP7

Blueprint Genetics
Classification: Likely benign. Last evaluated: 2024-05-02. Review status: criteria provided, single submitter. Criteria: ACMG Guidelines, 2015. Collection method: clinical testing. Allele origin: germline.

NM_001261826.3(AP3D1):c.534C>T (p.Pro178=)

Gene: AP3D1 (adaptor related protein complex 3 subunit delta 1; minus strand). Cytogenetic location: 19p13.3.
Variant type: single nucleotide variant.
Coding change: c.534C>T on transcript NM_001261826.3 (MANE Select); coding-DNA position 534, C replaced by T.
Protein change: p.Pro178=; no amino-acid change (proline 178 retained).
Molecular consequence: synonymous variant.
Genome position (GRCh38, 1-based): chr19:2,130,466, G>A on the plus strand (C>T on the coding strand, the complement: AP3D1 is on the minus strand). VCF-style: chr19-2130466-G-A. GRCh37 (hg19) VCF-style: chr19-2130465-G-A.
Other names: p.Pro178=; c.534C>T, p.Pro178= (NM_001374799.1, NM_003938.8).
Identifiers: ClinVar variation 736261 (VCV000736261.13), dbSNP rs187451666, ClinGen allele CA9059686.